The following is an entry in ClinVar:

ClinVar aggregate classification (germline): Uncertain significance (1 of 4 stars; one submission).

Conditions:
Hereditary cancer-predisposing syndrome. Also called: Hereditary Cancer Syndrome; Hereditary neoplastic syndrome; Neoplastic Syndromes, Hereditary; Tumor predisposition. Identifiers: Orphanet 140162, MedGen C0027672, MeSH D009386, MONDO:0015356.

gnomAD v4.1: 1 of 1,613,974 alleles (0.000062%); highest among the groups gnomAD compares: Non-Finnish European, 0.000085%; no homozygotes.

Submission:

Ambry Genetics
Classification: Uncertain significance for Hereditary cancer-predisposing syndrome. Last evaluated: 2025-05-15. Review status: criteria provided, single submitter. Criteria: Ambry Variant Classification Scheme 2023. Collection method: clinical testing. Allele origin: germline.
Comment: The p.K2249T variant (also known as c.6746A>C), located in coding exon 15 of the APC gene, results from an A to C substitution at nucleotide position 6746. The lysine at codon 2249 is replaced by threonine, an amino acid with similar properties. This amino acid position is conserved. In addition, in silico predictors for this gene do not accurately predict pathogenicity. Based on the available evidence, the clinical significance of this variant remains unclear.

NM_000038.6(APC):c.6746A>C (p.Lys2249Thr)

Gene: APC (APC regulator of Wnt signaling pathway; plus strand). Cytogenetic location: 5q22.2.
Variant type: single nucleotide variant.
Coding change: c.6746A>C on transcript NM_000038.6 (MANE Select); coding-DNA position 6746, A replaced by C.
Protein change: p.Lys2249Thr; replaces lysine 2249 with threonine.
Molecular consequence: missense variant. On other transcripts: non-coding transcript variant (2).
Genome position (GRCh38, 1-based): chr5:112,842,340, A>C. VCF-style: chr5-112842340-A-C. GRCh37 (hg19) VCF-style: chr5-112178037-A-C.
Other names: c.6746A>C, p.Lys2249Thr (NM_001127510.3, NM_001354895.2, NM_001407450.1); c.6692A>C, p.Lys2231Thr (NM_001127511.3); c.6800A>C, p.Lys2267Thr (NM_001354896.2, NM_001407447.1, NM_001407448.1 and 1 more transcripts); c.6776A>C, p.Lys2259Thr (NM_001354897.2); c.6671A>C, p.Lys2224Thr (NM_001354898.2); c.6662A>C, p.Lys2221Thr (NM_001354899.2); c.6623A>C, p.Lys2208Thr (NM_001354900.2); c.6569A>C, p.Lys2190Thr (NM_001354901.2, NM_001407453.1); and 11 more; short protein forms K1865T, K1966T, K2190T, K2224T, K2239T, K2267T, K2120T, K2123T.
Identifiers: ClinVar variation 3929367 (VCV003929367.1).